The following is an entry in ClinVar:

ClinVar aggregate classification (germline): Uncertain significance (1 of 4 stars; one submission).

gnomAD v4.1: 1 of 1,613,948 alleles (0.000062%); highest among the groups gnomAD compares: Non-Finnish European, 0.000085%; no homozygotes.

Submission:

Labcorp Genetics (formerly Invitae), Labcorp
Classification: Uncertain significance. Last evaluated: 2022-06-27. Review status: criteria provided, single submitter. Criteria: Invitae Variant Classification Sherloc (09022015). Collection method: clinical testing. Allele origin: germline.
Comment: This sequence change replaces histidine, which is basic and polar, with aspartic acid, which is acidic and polar, at codon 3361 of the FRAS1 protein (p.His3361Asp). In summary, the available evidence is currently insufficient to determine the role of this variant in disease. Therefore, it has been classified as a Variant of Uncertain Significance. Algorithms developed to predict the effect of missense changes on protein structure and function are either unavailable or do not agree on the potential impact of this missense change (SIFT: "Deleterious"; PolyPhen-2: "Probably Damaging"; Align-GVGD: "Class C0"). This variant has not been reported in the literature in individuals affected with FRAS1-related conditions. This variant is not present in population databases (gnomAD no frequency).

NM_025074.7(FRAS1):c.10081C>G (p.His3361Asp)

Gene: FRAS1 (Fraser extracellular matrix complex subunit 1; plus strand). Cytogenetic location: 4q21.21.
Variant type: single nucleotide variant.
Coding change: c.10081C>G on transcript NM_025074.7 (MANE Select); coding-DNA position 10081, C replaced by G.
Protein change: p.His3361Asp; replaces histidine 3361 with aspartic acid.
Molecular consequence: missense variant.
Genome position (GRCh38, 1-based): chr4:78,513,459, C>G. VCF-style: chr4-78513459-C-G. GRCh37 (hg19) VCF-style: chr4-79434613-C-G.
Other names: short protein forms H3361D.
Identifiers: ClinVar variation 1376475 (VCV001376475.6), dbSNP rs1352183871, ClinGen allele CA357384564.